The following is an entry in ClinVar:

NM_181507.2(HPS5):c.1960A>T (p.Lys654Ter)

Gene: HPS5 (HPS5 biogenesis of lysosomal organelles complex 2 subunit 2; minus strand). Cytogenetic location: 11p15.1.
Variant type: single nucleotide variant.
Coding change: c.1960A>T on transcript NM_181507.2 (MANE Select); coding-DNA position 1960, A replaced by T.
Protein change: p.Lys654Ter; replaces lysine 654 with a stop codon.
Molecular consequence: nonsense.
Genome position (GRCh38, 1-based): chr11:18,291,922, T>A on the plus strand (A>T on the coding strand, the complement: HPS5 is on the minus strand). VCF-style: chr11-18291922-T-A. GRCh37 (hg19) VCF-style: chr11-18313469-T-A.
Other names: c.1618A>T, p.Lys540Ter (NM_007216.4, NM_181508.2); short protein forms K540*, K654*.
Identifiers: ClinVar variation 1072840 (VCV001072840.11), dbSNP rs1179872960, ClinGen allele CA379491122.

ClinVar aggregate classification (germline): Pathogenic. Review status: criteria provided, multiple submitters, no conflicts (2 of 4 stars). 4 submissions from 4 submitters: Pathogenic (2). 2 of the submissions do not count toward it. Last evaluated 2025-10-27.

Conditions:
HPS5-related disorder. Also called: HPS5-related condition.

Allele frequency attached by ClinVar (database versions not stated): gnomAD 0.00001; gnomAD exomes 0.00001 and 0.00002; TOPMed 0.00001.
gnomAD v4.1: 18 of 1,609,218 alleles (0.0011%); highest among the groups gnomAD compares: Admixed American, 0.0051%; no homozygotes.

Submissions (4):

Labcorp Genetics (formerly Invitae), Labcorp
Classification: Pathogenic. Last evaluated: 2025-10-27. Review status: criteria provided, single submitter. Criteria: Invitae Variant Classification Sherloc (09022015). Collection method: clinical testing. Allele origin: germline.
Comment: This sequence change creates a premature translational stop signal (p.Lys654*) in the HPS5 gene. It is expected to result in an absent or disrupted protein product. Loss-of-function variants in HPS5 are known to be pathogenic (PMID: 12548288, 15296495, 21833017, 26785811). This variant is present in population databases (no rsID available, gnomAD 0.003%). This premature translational stop signal has been observed in individual(s) with clinical features of Hermansky-Pudlak syndrome (PMID: 29090612). ClinVar contains an entry for this variant (Variation ID: 1072840). Algorithms developed to predict the effect of sequence changes on RNA splicing suggest that this variant may disrupt the consensus splice site. For these reasons, this variant has been classified as Pathogenic.

Blueprint Genetics
Classification: Pathogenic for HPS5-related disorders. Last evaluated: 2024-10-08. Review status: criteria provided, single submitter. Criteria: ACMG Guidelines, 2015. Collection method: clinical testing. Allele origin: germline. Affected: yes. Observed: 3 variant alleles.

Genome Diagnostics Laboratory, University Medical Center Utrecht
Classification: Pathogenic. Review status: no assertion criteria provided. Collection method: clinical testing. Allele origin: germline. Affected: yes. Study: VKGL Data-share Consensus. Not counted in ClinVar's aggregate classification.

Joint Genome Diagnostic Labs from Nijmegen and Maastricht, Radboudumc and MUMC+
Classification: Pathogenic. Review status: no assertion criteria provided. Collection method: clinical testing. Allele origin: germline. Affected: yes. Study: VKGL Data-share Consensus. Not counted in ClinVar's aggregate classification.

Literature cited by the submitters: PubMed 12548288 (cited by Labcorp Genetics (formerly Invitae), Labcorp); PubMed 15296495 (cited by Labcorp Genetics (formerly Invitae), Labcorp); PubMed 21833017 (cited by Labcorp Genetics (formerly Invitae), Labcorp); PubMed 26785811 (cited by Labcorp Genetics (formerly Invitae), Labcorp); PubMed 29090612 (cited by Labcorp Genetics (formerly Invitae), Labcorp).